The following is an entry in ClinVar:

NC_000008.10:g.(?_87679332)_(87687741_?)del

Gene: CNGB3 (cyclic nucleotide gated channel subunit beta 3; minus strand). Cytogenetic location: 8q21.3.
Variant type: Deletion.
Identifiers: ClinVar variation 1451538 (VCV001451538.5).

ClinVar aggregate classification (germline): Pathogenic (1 of 4 stars; one submission).

Submission:

Labcorp Genetics (formerly Invitae), Labcorp
Classification: Pathogenic. Last evaluated: 2021-12-29. Review status: criteria provided, single submitter. Criteria: Invitae Variant Classification Sherloc (09022015). Collection method: clinical testing. Allele origin: germline.
Comment: For these reasons, this variant has been classified as Pathogenic. This variant disrupts a region of the CNGB3 protein in which other variant(s) (p.Ser156Phe) have been determined to be pathogenic (PMID: 15657609, 25616768, 28795510). This suggests that this is a clinically significant region of the protein, and that variants that disrupt it are likely to be disease-causing. ClinVar contains an entry for this variant (Variation ID: 521713). This variant has not been reported in the literature in individuals affected with CNGB3-related conditions. This variant results in the deletion of exons(s) 4-5 and part of exon 6 (c.339-4415_673del) of the CNGB3 gene. It is expected to disrupt RNA splicing. Variants that disrupt the donor or acceptor splice site typically lead to a loss of protein function (PMID: 16199547), and loss-of-function variants in CNGB3 are known to be pathogenic (PMID: 28795510).

Literature cited by the submitters: PubMed 15657609; PubMed 25616768; PubMed 28795510; PubMed 16199547.